The following is an entry in ClinVar:

NM_000089.4(COL1A2):c.3526+4G>A

Gene: COL1A2 (collagen type I alpha 2 chain; plus strand). Cytogenetic location: 7q21.3.
Variant type: single nucleotide variant.
Coding change: c.3526+4G>A on transcript NM_000089.4 (MANE Select); 4 bases into the intron after coding-DNA position 3526, G replaced by A.
Molecular consequence: intron variant.
Genome position (GRCh38, 1-based): chr7:94,427,889, G>A. VCF-style: chr7-94427889-G-A. GRCh37 (hg19) VCF-style: chr7-94057201-G-A.
Identifiers: ClinVar variation 526889 (VCV000526889.10), dbSNP rs1284156162, ClinGen allele CA576324645.

ClinVar aggregate classification (germline): Uncertain significance (1 of 4 stars; one submission).

Conditions:
Osteogenesis imperfecta type I (OI1). Also called: OI, TYPE I; OSTEOGENESIS IMPERFECTA TARDA; OSTEOGENESIS IMPERFECTA WITH BLUE SCLERAE; Lobstein's Disease; Classic Non-deforming Osteogenesis Imperfecta with Blue Sclerae; Lobstein disease. Identifiers: Orphanet 216796, Orphanet 666, MedGen C0023931, MONDO:0008146, OMIM 166200. Disease mechanism: loss of function.
Ehlers-Danlos syndrome, classic type, 1 (EDSCL1). Also called: Ehlers-Danlos Syndrome, Classic Type, COL5A1-Related; EDS I; Ehlers-Danlos syndrome, type 1; EHLERS-DANLOS SYNDROME, GRAVIS TYPE; EHLERS-DANLOS SYNDROME, SEVERE CLASSIC TYPE. Identifiers: MedGen C0268335, MONDO:0019567, OMIM 130000.

Allele frequency attached by ClinVar (database versions not stated): gnomAD exomes 0.00001 and below 0.00001; TOPMed 0.00001; gnomAD 0.00001.
gnomAD v4.1: 15 of 1,613,826 alleles (0.00093%); highest among the groups gnomAD compares: East Asian, 0.0022%; no homozygotes.

Submission:

Labcorp Genetics (formerly Invitae), Labcorp
Classification: Uncertain significance for Osteogenesis imperfecta type I; Ehlers-Danlos syndrome, classic type, 1. Last evaluated: 2022-12-30. Review status: criteria provided, single submitter. Criteria: Invitae Variant Classification Sherloc (09022015). Collection method: clinical testing. Allele origin: germline.
Comment: Variants that disrupt the consensus splice site are a relatively common cause of aberrant splicing (PMID: 17576681, 9536098). Algorithms developed to predict the effect of sequence changes on RNA splicing suggest that this variant is not likely to affect RNA splicing. ClinVar contains an entry for this variant (Variation ID: 526889). This variant has not been reported in the literature in individuals affected with COL1A2-related conditions. This variant is present in population databases (no rsID available, gnomAD 0.0009%). This sequence change falls in intron 49 of the COL1A2 gene. It does not directly change the encoded amino acid sequence of the COL1A2 protein. It affects a nucleotide within the consensus splice site. In summary, the available evidence is currently insufficient to determine the role of this variant in disease. Therefore, it has been classified as a Variant of Uncertain Significance.

Literature cited by the submitters: PubMed 17576681; PubMed 9536098.